The following is an entry in ClinVar:

ClinVar aggregate classification (germline): Uncertain significance (1 of 4 stars; one submission).

Submission:

Labcorp Genetics (formerly Invitae), Labcorp
Classification: Uncertain significance. Last evaluated: 2025-02-04. Review status: criteria provided, single submitter. Criteria: Invitae Variant Classification Sherloc (09022015). Collection method: clinical testing. Allele origin: germline.
Comment: This sequence change replaces glycine, which is neutral and non-polar, with alanine, which is neutral and non-polar, at codon 69 of the KCNQ5 protein (p.Gly69Ala). This variant is not present in population databases (gnomAD no frequency). This variant has not been reported in the literature in individuals affected with KCNQ5-related conditions. Invitae Evidence Modeling of protein sequence and biophysical properties (such as structural, functional, and spatial information, amino acid conservation, physicochemical variation, residue mobility, and thermodynamic stability) indicates that this missense variant is not expected to disrupt KCNQ5 protein function with a negative predictive value of 95%. In summary, the available evidence is currently insufficient to determine the role of this variant in disease. Therefore, it has been classified as a Variant of Uncertain Significance.

NM_019842.4(KCNQ5):c.206G>C (p.Gly69Ala)

Genes: KCNQ5 (potassium voltage-gated channel subfamily Q member 5; plus strand), KCNQ5-DT (KCNQ5 divergent transcript; minus strand). Cytogenetic location: 6q13.
Variant type: single nucleotide variant.
Coding change: c.206G>C on transcript NM_019842.4 (MANE Select); coding-DNA position 206, G replaced by C.
Protein change: p.Gly69Ala; replaces glycine 69 with alanine.
Molecular consequence: missense variant.
Genome position (GRCh38, 1-based): chr6:72,622,395, G>C. VCF-style: chr6-72622395-G-C. GRCh37 (hg19) VCF-style: chr6-73332123-G-C.
Other names: c.206G>C, p.Gly69Ala (NM_001160130.2, NM_001160132.2, NM_001160133.2 and 1 more transcripts); short protein forms G69A.
Identifiers: ClinVar variation 4801373 (VCV004801373.1).